The following is an entry in ClinVar:

NM_004336.5(BUB1):c.1424T>G (p.Phe475Cys)

Gene: BUB1 (BUB1 mitotic checkpoint serine/threonine kinase; minus strand). Cytogenetic location: 2q13.
Variant type: single nucleotide variant.
Coding change: c.1424T>G on transcript NM_004336.5 (MANE Select); coding-DNA position 1424, T replaced by G.
Protein change: p.Phe475Cys; replaces phenylalanine 475 with cysteine.
Molecular consequence: missense variant.
Genome position (GRCh38, 1-based): chr2:110,658,502, A>C on the plus strand (T>G on the coding strand, the complement: BUB1 is on the minus strand). VCF-style: chr2-110658502-A-C. GRCh37 (hg19) VCF-style: chr2-111416079-A-C.
Other names: c.1364T>G, p.Phe455Cys (NM_001278616.2); c.1424T>G, p.Phe475Cys (NM_001278617.2); short protein forms F475C, F455C.
Identifiers: ClinVar variation 1772342 (VCV001772342.4), dbSNP rs1275162358, ClinGen allele CA348212442.

ClinVar aggregate classification (germline): Uncertain significance (1 of 4 stars; one submission).

Allele frequency attached by ClinVar (database versions not stated): gnomAD exomes below 0.00001; gnomAD 0.00001.
gnomAD v4.1: 2 of 1,613,822 alleles (0.00012%); highest among the groups gnomAD compares: Non-Finnish European, 0.00017%; no homozygotes.

Submission:

Ambry Genetics
Classification: Uncertain significance. Last evaluated: 2024-04-30. Review status: criteria provided, single submitter. Criteria: Ambry Variant Classification Scheme 2023. Collection method: clinical testing. Allele origin: germline.
Comment: The p.F475C variant (also known as c.1424T>G), located in coding exon 13 of the BUB1 gene, results from a T to G substitution at nucleotide position 1424. The phenylalanine at codon 475 is replaced by cysteine, an amino acid with highly dissimilar properties. This amino acid position is conserved. In addition, this alteration is predicted to be deleterious by in silico analysis. Since supporting evidence is limited at this time, the clinical significance of this alteration remains unclear.